The following is an entry in ClinVar:

NM_199420.4(POLQ):c.6275T>C (p.Ile2092Thr)

Gene: POLQ (DNA polymerase theta; minus strand). Cytogenetic location: 3q13.33.
Variant type: single nucleotide variant.
Coding change: c.6275T>C on transcript NM_199420.4 (MANE Select); coding-DNA position 6275, T replaced by C.
Protein change: p.Ile2092Thr; replaces isoleucine 2092 with threonine.
Molecular consequence: missense variant.
Genome position (GRCh38, 1-based): chr3:121,476,670, A>G on the plus strand (T>C on the coding strand, the complement: POLQ is on the minus strand). VCF-style: chr3-121476670-A-G. GRCh37 (hg19) VCF-style: chr3-121195517-A-G.
Other names: short protein forms I2092T.
Identifiers: ClinVar variation 1752562 (VCV001752562.3), dbSNP rs2047928974, ClinGen allele CA354087061.

ClinVar aggregate classification (germline): Uncertain significance (1 of 4 stars; one submission).

Submission:

Ambry Genetics
Classification: Uncertain significance. Last evaluated: 2024-09-26. Review status: criteria provided, single submitter. Criteria: Ambry Variant Classification Scheme 2023. Collection method: clinical testing. Allele origin: germline.
Comment: The p.I2092T variant (also known as c.6275T>C), located in coding exon 20 of the POLQ gene, results from a T to C substitution at nucleotide position 6275. The isoleucine at codon 2092 is replaced by threonine, an amino acid with similar properties. This amino acid position is conserved. In addition, the in silico prediction for this alteration is inconclusive. Since supporting evidence is limited at this time, the clinical significance of this alteration remains unclear.